The following is an entry in ClinVar:

ClinVar aggregate classification (germline): Likely benign. Review status: criteria provided, multiple submitters, no conflicts (2 of 4 stars). 2 submissions from 2 submitters: Likely benign (2). Last evaluated 2025-07-01.

Conditions:
Cardiovascular phenotype. Identifiers: MedGen CN230736.

Allele frequency attached by ClinVar (database versions not stated): gnomAD exomes below 0.00001; TOPMed below 0.00001; gnomAD 0.00001.
gnomAD v4.1: 6 of 1,613,348 alleles (0.00037%); highest among the groups gnomAD compares: Non-Finnish European, 0.00051%; no homozygotes.

Submissions (2):

CeGaT Center for Human Genetics Tuebingen
Classification: Likely benign. Last evaluated: 2025-07-01. Review status: criteria provided, single submitter. Criteria: CeGaT Center For Human Genetics Tuebingen Variant Classification Criteria Version 2. Collection method: clinical testing. Allele origin: germline. Affected: yes. Observed: 2 variant alleles.
Comment: KCND3: BP4

Ambry Genetics
Classification: Likely benign for Cardiovascular phenotype. Last evaluated: 2023-03-07. Review status: criteria provided, single submitter. Criteria: Ambry Variant Classification Scheme 2023. Collection method: clinical testing. Allele origin: germline.

NM_001378969.1(KCND3):c.1299C>G (p.Ala433=)

Gene: KCND3 (potassium voltage-gated channel subfamily D member 3; minus strand). Cytogenetic location: 1p13.2.
Variant type: single nucleotide variant.
Coding change: c.1299C>G on transcript NM_001378969.1 (MANE Select); coding-DNA position 1299, C replaced by G.
Protein change: p.Ala433=; no amino-acid change (alanine 433 retained).
Molecular consequence: synonymous variant.
Genome position (GRCh38, 1-based): chr1:111,780,762, G>C on the plus strand (C>G on the coding strand, the complement: KCND3 is on the minus strand). VCF-style: chr1-111780762-G-C. GRCh37 (hg19) VCF-style: chr1-112323384-G-C.
Other names: c.1299C>G, p.Ala433= (NM_001378970.1, NM_004980.5, NM_172198.3).
Identifiers: ClinVar variation 2447863 (VCV002447863.9), dbSNP rs1350994877, ClinGen allele CA419529843.